The following is an entry in ClinVar:

ClinVar aggregate classification (germline): Uncertain significance (1 of 4 stars; one submission).

Conditions:
Neonatal-onset encephalopathy with rigidity and seizures. Also called: Lethal neonatal spasticity-epileptic encephalopathy syndrome. Identifiers: Orphanet 435845, MedGen C3281029, MONDO:0013784, OMIM 614498.

Allele frequency attached by ClinVar (database versions not stated): gnomAD 0.00001; TOPMed 0.00001; ExAC 0.00004; gnomAD exomes 0.00004.
gnomAD v4.1: 11 of 1,598,790 alleles (0.00069%); highest among the groups gnomAD compares: Middle Eastern, 0.016%; no homozygotes.

Submission:

Labcorp Genetics (formerly Invitae), Labcorp
Classification: Uncertain significance for Neonatal-onset encephalopathy with rigidity and seizures. Last evaluated: 2023-10-03. Review status: criteria provided, single submitter. Criteria: Invitae Variant Classification Sherloc (09022015). Collection method: clinical testing. Allele origin: germline.
Comment: This sequence change replaces arginine, which is basic and polar, with histidine, which is basic and polar, at codon 651 of the BRAT1 protein (p.Arg651His). This variant is present in population databases (rs770559678, gnomAD 0.04%). This variant has not been reported in the literature in individuals affected with BRAT1-related conditions. ClinVar contains an entry for this variant (Variation ID: 1006014). Advanced modeling of protein sequence and biophysical properties (such as structural, functional, and spatial information, amino acid conservation, physicochemical variation, residue mobility, and thermodynamic stability) performed at Invitae indicates that this missense variant is expected to disrupt BRAT1 protein function. In summary, the available evidence is currently insufficient to determine the role of this variant in disease. Therefore, it has been classified as a Variant of Uncertain Significance.

NM_152743.4(BRAT1):c.1952G>A (p.Arg651His)

Gene: BRAT1 (BRCA1 associated ATM activator 1; minus strand). Cytogenetic location: 7p22.3.
Variant type: single nucleotide variant.
Coding change: c.1952G>A on transcript NM_152743.4 (MANE Select); coding-DNA position 1952, G replaced by A.
Protein change: p.Arg651His; replaces arginine 651 with histidine.
Molecular consequence: missense variant. On other transcripts: non-coding transcript variant (1).
Genome position (GRCh38, 1-based): chr7:2,538,583, C>T on the plus strand (G>A on the coding strand, the complement: BRAT1 is on the minus strand). VCF-style: chr7-2538583-C-T. GRCh37 (hg19) VCF-style: chr7-2578217-C-T.
Other names: c.2132G>A, p.Arg711His (NM_001350626.2); c.1427G>A, p.Arg476His (NM_001350627.2); short protein forms R476H, R651H, R711H.
Identifiers: ClinVar variation 1006014 (VCV001006014.4), dbSNP rs770559678, ClinGen allele CA4127501.